The following is an entry in ClinVar:

ClinVar aggregate classification (germline): Likely benign. Review status: criteria provided, single submitter (1 of 4 stars). 2 submissions from 2 submitters: Likely benign (1). 1 of the submissions does not count toward it. Last evaluated 2025-12-20.

Conditions:
TBXA2R-related disorder. Also called: TBXA2R-related condition.

Allele frequency attached by ClinVar (database versions not stated): gnomAD exomes 0.00002; ExAC 0.00003; TOPMed 0.00010; gnomAD 0.00017; 1000 Genomes Project 0.00040; 1000 Genomes Project 30x 0.00047.
gnomAD v4.1: 53 of 1,596,232 alleles (0.0033%); highest among the groups gnomAD compares: Admixed American, 0.089%; no homozygotes.

Submissions (2):

Labcorp Genetics (formerly Invitae), Labcorp
Classification: Likely benign. Last evaluated: 2025-12-20. Review status: criteria provided, single submitter. Criteria: Invitae Variant Classification Sherloc (09022015). Collection method: clinical testing. Allele origin: germline.

PreventionGenetics, part of Exact Sciences
Classification: Likely benign for TBXA2R-related condition. Last evaluated: 2023-05-31. Review status: no assertion criteria provided. Collection method: clinical testing. Allele origin: germline. Not counted in ClinVar's aggregate classification.
Comment: This variant is classified as likely benign based on ACMG/AMP sequence variant interpretation guidelines (Richards et al. 2015 PMID: 25741868, with internal and published modifications).

NM_001060.6(TBXA2R):c.801G>A (p.Gln267=)

Gene: TBXA2R (thromboxane A2 receptor; minus strand). Cytogenetic location: 19p13.3.
Variant type: single nucleotide variant.
Coding change: c.801G>A on transcript NM_001060.6 (MANE Select); coding-DNA position 801, G replaced by A.
Protein change: p.Gln267=; no amino-acid change (glutamine 267 retained).
Molecular consequence: synonymous variant.
Genome position (GRCh38, 1-based): chr19:3,595,919, C>T on the plus strand (G>A on the coding strand, the complement: TBXA2R is on the minus strand). VCF-style: chr19-3595919-C-T. GRCh37 (hg19) VCF-style: chr19-3595917-C-T.
Other names: c.801G>A, p.Gln267= (NM_201636.3); c.801G>A (NM_201636.2).
Identifiers: ClinVar variation 2065205 (VCV002065205.6), dbSNP rs187589930, ClinGen allele CA9080773.
Genomic context (GRCh38, chr19:3,595,919, plus strand): 5'-CTCCGTGGTGCGGGACAGCTGCCCGGCGGGGCTCATGGCAGGCGGGTTTCGCAGCACTGT[C>T]TGGGCGATGAAGACCTGCAAAGGGGAGAGCTGTCAGCCTGGGCCCCCGCCTCCAGCCCCG-3'
Protein context (NP_001051.1, residues 257-277): CWLPLLVFIA[Gln267=]TVLRNPPAMS